The following is an entry in ClinVar:

ClinVar aggregate classification (germline): Uncertain significance (1 of 4 stars; one submission).

Allele frequency attached by ClinVar (database versions not stated): gnomAD 0.00001; gnomAD exomes 0.00001; TOPMed 0.00001; ExAC 0.00003.

Submission:

Labcorp Genetics (formerly Invitae), Labcorp
Classification: Uncertain significance. Last evaluated: 2023-07-07. Review status: criteria provided, single submitter. Criteria: Invitae Variant Classification Sherloc (09022015). Collection method: clinical testing. Allele origin: germline.
Comment: In summary, the available evidence is currently insufficient to determine the role of this variant in disease. Therefore, it has been classified as a Variant of Uncertain Significance. An algorithm developed to predict the effect of missense changes on protein structure and function (PolyPhen-2) suggests that this variant is likely to be disruptive. This variant has not been reported in the literature in individuals affected with RELA-related conditions. The frequency data for this variant in the population databases is considered unreliable, as metrics indicate poor data quality at this position in the gnomAD database. This sequence change replaces threonine, which is neutral and polar, with isoleucine, which is neutral and non-polar, at codon 357 of the RELA protein (p.Thr357Ile).

NM_021975.4(RELA):c.1070C>T (p.Thr357Ile)

Gene: RELA (RELA proto-oncogene, NF-kB subunit; minus strand). Cytogenetic location: 11q13.1.
Variant type: single nucleotide variant.
Coding change: c.1070C>T on transcript NM_021975.4 (MANE Select); coding-DNA position 1070, C replaced by T.
Protein change: p.Thr357Ile; replaces threonine 357 with isoleucine.
Molecular consequence: missense variant. On other transcripts: intron variant (1).
Genome position (GRCh38, 1-based): chr11:65,654,964, G>A on the plus strand (C>T on the coding strand, the complement: RELA is on the minus strand). VCF-style: chr11-65654964-G-A. GRCh37 (hg19) VCF-style: chr11-65422435-G-A.
Other names: c.1061C>T, p.Thr354Ile (NM_001145138.2); c.1070C>T, p.Thr357Ile (NM_001243985.2); c.1103C>T, p.Thr368Ile (NM_001404657.1); c.1043C>T, p.Thr348Ile (NM_001404658.1); c.857C>T, p.Thr286Ile (NM_001404659.1); c.752C>T, p.Thr251Ile (NM_001404660.1); c.689C>T, p.Thr230Ile (NM_001404661.1); c.977C>T, p.Thr326Ile (NM_001404662.1, NM_001404663.1); and 1 more; short protein forms T251I, T354I, T348I, T230I, T286I, T326I, T368I, T357I.
Identifiers: ClinVar variation 2820332 (VCV002820332.3), dbSNP rs759766423, ClinGen allele CA6106648.